The following is an entry in ClinVar:

NM_016077.5(PTRH2):c.101G>A (p.Arg34Gln)

Gene: PTRH2 (peptidyl-tRNA hydrolase 2; minus strand). Cytogenetic location: 17q23.1.
Variant type: single nucleotide variant.
Coding change: c.101G>A on transcript NM_016077.5 (MANE Select); coding-DNA position 101, G replaced by A.
Protein change: p.Arg34Gln; replaces arginine 34 with glutamine.
Molecular consequence: missense variant.
Genome position (GRCh38, 1-based): chr17:59,697,878, C>T on the plus strand (G>A on the coding strand, the complement: PTRH2 is on the minus strand). VCF-style: chr17-59697878-C-T. GRCh37 (hg19) VCF-style: chr17-57775239-C-T.
Other names: c.104G>A, p.Arg35Gln (NM_001015509.3); c.101G>A (NM_016077.3); short protein forms R34Q, R35Q.
Identifiers: ClinVar variation 684534 (VCV000684534.4), dbSNP rs763600816, ClinGen allele CA8681948.
Genomic context (GRCh38, chr17:59,697,878, plus strand): 5'-CTTTCAGTATCTGTGTGTGTCTTGCTCGTCTTGCTTTTGGGGAGCATCCCAAAGCATACT[C>T]GAAGGCTCCAGCCCAGGCACATGCCACAAGCAACTCCAACAGCCAAGCCGAGTGTACTGG-3'
Protein context (NP_057161.1, residues 24-44): ACGMCLGWSL[Arg34Gln]VCFGMLPKSK

ClinVar aggregate classification (germline): Uncertain significance (1 of 4 stars; one submission).

Conditions:
Inborn genetic diseases. Identifiers: MedGen C0950123, MeSH D030342.

Allele frequency attached by ClinVar (database versions not stated): gnomAD exomes 0.00002 and 0.00006; ExAC 0.00004; gnomAD 0.00004; TOPMed 0.00004.
gnomAD v4.1: 95 of 1,614,026 alleles (0.0059%); highest among the groups gnomAD compares: Non-Finnish European, 0.0071%; no homozygotes.

Submission:

Ambry Genetics
Classification: Uncertain significance for Inborn genetic diseases. Last evaluated: 2023-03-20. Review status: criteria provided, single submitter. Criteria: Ambry Variant Classification Scheme 2023. Collection method: clinical testing. Allele origin: germline.